The following is an entry in ClinVar:

ClinVar aggregate classification (germline): Conflicting classifications of pathogenicity. Review status: criteria provided, conflicting classifications (1 of 4 stars). 3 submissions from 3 submitters: Uncertain significance (2); Likely benign (1). Last evaluated 2025-12-21.

Conditions:
Inborn genetic diseases. Identifiers: MedGen C0950123, MeSH D030342.
Menkes kinky-hair syndrome (MNK). Also called: Menkes Disease; Copper transport disease; Classic Menkes Disease. Identifiers: Orphanet 565, MedGen C0022716, MONDO:0010651, OMIM 309400.
X-linked distal spinal muscular atrophy type 3. Also called: NEURONOPATHY, DISTAL HEREDITARY MOTOR, X-LINKED; NEUROPATHY, DISTAL HEREDITARY MOTOR, X-LINKED; SPINAL MUSCULAR ATROPHY, DISTAL, X-LINKED RECESSIVE; ATP7A-Related Distal Motor Neuropathy. Identifiers: Orphanet 139557, MedGen C1845359, MONDO:0010338, OMIM 300489.
Cutis laxa, X-linked (OHS). Also called: EDS IX; Occipital horn syndrome. Identifiers: Orphanet 198, MedGen C0268353, MONDO:0010572, OMIM 304150.

Allele frequency attached by ClinVar (database versions not stated): ExAC 0.00002; gnomAD exomes 0.00002 and 0.00004; TOPMed 0.00012; gnomAD 0.00016; ESP Exome Variant Server 0.00019.
gnomAD v4.1: 42 of 1,205,813 alleles (0.0035%); highest among the groups gnomAD compares: African/African-American, 0.033%; no homozygotes.

Submissions (3):

Labcorp Genetics (formerly Invitae), Labcorp
Classification: Likely benign for X-linked distal spinal muscular atrophy type 3; Cutis laxa, X-linked; Menkes kinky-hair syndrome. Last evaluated: 2025-12-21. Review status: criteria provided, single submitter. Criteria: Invitae Variant Classification Sherloc (09022015). Collection method: clinical testing. Allele origin: germline.

GeneDx
Classification: Uncertain significance. Last evaluated: 2025-02-08. Review status: criteria provided, single submitter. Criteria: GeneDx Variant Classification Process June 2021. Collection method: clinical testing. Allele origin: germline. Affected: yes.
Comment: Has not been previously published as pathogenic or benign to our knowledge; In silico analysis supports that this missense variant has a deleterious effect on protein structure/function

Ambry Genetics
Classification: Uncertain significance for Inborn genetic diseases. Last evaluated: 2020-08-06. Review status: criteria provided, single submitter. Criteria: Ambry Variant Classification Scheme 2023. Collection method: clinical testing. Allele origin: germline.
Comment: The p.R652W variant (also known as c.1954C>T), located in coding exon 8 of the ATP7A gene, results from a C to T substitution at nucleotide position 1954. The arginine at codon 652 is replaced by tryptophan, an amino acid with dissimilar properties. Based on data from gnomAD, the c.1954C>T variant has an overall frequency of 0.004% (9/204,698) of total alleles studied. The highest observed frequency was 0.02% (4/18,955) in the African sub-population, with no hemizygotes observed. This amino acid position is not well conserved in available vertebrate species. In addition, this alteration is predicted to be tolerated by in silico analysis. Since supporting evidence is limited at this time, the clinical significance of this alteration remains unclear.

NM_000052.7(ATP7A):c.1954C>T (p.Arg652Trp)

Gene: ATP7A (ATPase copper transporting alpha; plus strand). Cytogenetic location: Xq21.1.
Variant type: single nucleotide variant.
Coding change: c.1954C>T on transcript NM_000052.7 (MANE Select); coding-DNA position 1954, C replaced by T.
Protein change: p.Arg652Trp; replaces arginine 652 with tryptophan.
Molecular consequence: missense variant.
Genome position (GRCh38, 1-based): chrX:78,011,456, C>T. VCF-style: chrX-78011456-C-T. GRCh37 (hg19) VCF-style: chrX-77266953-C-T.
Other names: c.1954C>T, p.Arg652Trp (NM_001282224.2); short protein forms R652W.
Identifiers: ClinVar variation 732574 (VCV000732574.14), dbSNP rs377714939, ClinGen allele CA10459179.